The following is an entry in ClinVar:

ClinVar aggregate classification (germline): Uncertain significance (1 of 4 stars; one submission).

Conditions:
Glycine encephalopathy. Also called: Non-ketotic hyperglycinemia; Nonketotic hyperglycinemia. Identifiers: Orphanet 407, MedGen C0751748, MONDO:0011612, HP:0008288.

Allele frequency attached by ClinVar (database versions not stated): gnomAD 0.00001; gnomAD exomes 0.00001; ExAC 0.00003.
gnomAD v4.1: 8 of 1,613,690 alleles (0.0005%); highest among the groups gnomAD compares: South Asian, 0.0077%; no homozygotes.

Submission:

Labcorp Genetics (formerly Invitae), Labcorp
Classification: Uncertain significance for Glycine encephalopathy. Last evaluated: 2021-09-01. Review status: criteria provided, single submitter. Criteria: Invitae Variant Classification Sherloc (09022015). Collection method: clinical testing. Allele origin: germline.
Comment: This sequence change replaces phenylalanine with leucine at codon 18 of the AMT protein (p.Phe18Leu). The phenylalanine residue is weakly conserved and there is a small physicochemical difference between phenylalanine and leucine. This variant is present in population databases (rs778523705, ExAC 0.01%). This variant has not been reported in the literature in individuals affected with AMT-related conditions. Advanced modeling of protein sequence and biophysical properties (such as structural, functional, and spatial information, amino acid conservation, physicochemical variation, residue mobility, and thermodynamic stability) performed at Invitae indicates that this missense variant is not expected to disrupt AMT protein function. In summary, the available evidence is currently insufficient to determine the role of this variant in disease. Therefore, it has been classified as a Variant of Uncertain Significance.

NM_000481.4(AMT):c.52T>C (p.Phe18Leu)

Genes: NICN1 (nicolin 1, tubulin polyglutamylase complex subunit; minus strand), AMT (aminomethyltransferase; minus strand). Cytogenetic location: 3p21.31.
Variant type: single nucleotide variant.
Coding change: c.52T>C on transcript NM_000481.4 (MANE Select); coding-DNA position 52, T replaced by C.
Protein change: p.Phe18Leu; replaces phenylalanine 18 with leucine.
Molecular consequence: missense variant. On other transcripts: non-coding transcript variant (1), 3 prime UTR variant (1).
Genome position (GRCh38, 1-based): chr3:49,422,399, A>G on the plus strand (T>C on the coding strand, the complement: AMT is on the minus strand). VCF-style: chr3-49422399-A-G. GRCh37 (hg19) VCF-style: chr3-49459832-A-G.
Other names: c.52T>C, p.Phe18Leu (NM_001164710.2, NM_001164711.2, NM_001164712.2); c.*2434T>C (NM_032316.3); short protein forms F18L.
Identifiers: ClinVar variation 1474058 (VCV001474058.5), dbSNP rs778523705, ClinGen allele CA2398504.